The following is an entry in ClinVar:

NM_024675.4(PALB2):c.2165A>C (p.Asp722Ala)

Gene: PALB2 (partner and localizer of BRCA2; minus strand). Cytogenetic location: 16p12.2.
Variant type: single nucleotide variant.
Coding change: c.2165A>C on transcript NM_024675.4 (MANE Select); coding-DNA position 2165, A replaced by C.
Protein change: p.Asp722Ala; replaces aspartic acid 722 with alanine.
Molecular consequence: missense variant. On other transcripts: intron variant (1).
Genome position (GRCh38, 1-based): chr16:23,629,989, T>G on the plus strand (A>C on the coding strand, the complement: PALB2 is on the minus strand). VCF-style: chr16-23629989-T-G. GRCh37 (hg19) VCF-style: chr16-23641310-T-G.
Other names: c.377A>C, p.Asp126Ala (NM_001407313.1, NM_001407312.1); c.49-714A>C (NM_001407314.1); c.2105A>C, p.Asp702Ala (NM_001407296.1); c.2165A>C, p.Asp722Ala (NM_001407297.1, NM_001407298.1, NM_001407299.1 and 3 more transcripts); c.1280A>C, p.Asp427Ala (NM_001407304.1, NM_001407305.1, NM_001407306.1 and 5 more transcripts); short protein forms D427A, D702A, D722A, D126A.
Identifiers: ClinVar variation 4056111 (VCV004056111.2).

ClinVar aggregate classification (germline): Uncertain significance. Review status: criteria provided, single submitter (1 of 4 stars). 2 submissions from 1 submitter: Uncertain significance (2). Last evaluated 2025-06-17.

Conditions:
Breast-ovarian cancer, familial, susceptibility to, 5 (BROVCA5). Identifiers: MedGen C5830615, MONDO:0957530, OMIM 620442.
Familial cancer of breast. Also called: BREAST CANCER, FAMILIAL; Hereditary breast cancer; hereditary breast carcinoma. Identifiers: Orphanet 227535, MedGen C0346153, MONDO:0016419, OMIM 114480. Disease mechanism: loss of function.

Submissions (2):

St. Jude Molecular Pathology, St. Jude Children's Research Hospital
Classification: Uncertain significance for Breast-ovarian cancer, familial, susceptibility to, 5. Last evaluated: 2025-06-17. Review status: criteria provided, single submitter. Criteria: St. Jude Assertion Criteria 2020. Collection method: clinical testing. Allele origin: germline.
Comment: The PALB2 c.2165A>C p.(Asp722Ala) missense change is absent in gnomAD v2.1.1. The in silico tool REVEL predicts a benign effect on protein function, but to our knowledge this prediction has not been confirmed by functional studies. To our knowledge, this variant has not been reported in individuals with PALB2-associated conditions. In summary, the evidence currently available is insufficient to determine the clinical significance of this variant. It has therefore been classified as of uncertain significance.

St. Jude Molecular Pathology, St. Jude Children's Research Hospital
Classification: Uncertain significance for Familial cancer of breast. Last evaluated: 2025-06-17. Review status: criteria provided, single submitter. Criteria: St. Jude Assertion Criteria 2020. Collection method: clinical testing. Allele origin: germline.
Comment: the same text as in the submission from St. Jude Molecular Pathology, St. Jude Children's Research Hospital above.